The following is an entry in ClinVar:

NM_004733.4(SLC33A1):c.1477G>A (p.Val493Ile)

Gene: SLC33A1 (solute carrier family 33 member 1; minus strand). Cytogenetic location: 3q25.31.
Variant type: single nucleotide variant.
Coding change: c.1477G>A on transcript NM_004733.4 (MANE Select); coding-DNA position 1477, G replaced by A.
Protein change: p.Val493Ile; replaces valine 493 with isoleucine.
Molecular consequence: missense variant.
Genome position (GRCh38, 1-based): chr3:155,829,693, C>T on the plus strand (G>A on the coding strand, the complement: SLC33A1 is on the minus strand). VCF-style: chr3-155829693-C-T. GRCh37 (hg19) VCF-style: chr3-155547482-C-T.
Other names: c.1477G>A, p.Val493Ile (NM_001190992.2); c.1171G>A, p.Val391Ile (NM_001363883.1); short protein forms V391I, V493I.
Identifiers: ClinVar variation 1878711 (VCV001878711.1), dbSNP rs1386573259, ClinGen allele CA355140004.

ClinVar aggregate classification (germline): Uncertain significance (1 of 4 stars; one submission).

Allele frequency attached by ClinVar (database versions not stated): gnomAD exomes below 0.00001; TOPMed 0.00001; gnomAD 0.00002.
gnomAD v4.1: 4 of 1,606,862 alleles (0.00025%); highest among the groups gnomAD compares: African/African-American, 0.0054%; no homozygotes.

Submission:

GeneDx
Classification: Uncertain significance. Last evaluated: 2023-01-11. Review status: criteria provided, single submitter. Criteria: GeneDx Variant Classification Process June 2021. Collection method: clinical testing. Allele origin: germline. Affected: yes.
Comment: In silico analysis supports that this missense variant does not alter protein structure/function; Has not been previously published as pathogenic or benign to our knowledge